The following is an entry in ClinVar:

ClinVar aggregate classification (germline): Likely pathogenic (1 of 4 stars; one submission).

Conditions:
Agenesis of corpus callosum, cardiac, ocular, and genital syndrome. Identifiers: MedGen C5394523, MONDO:0030065, OMIM 618929.

Submission:

Variantyx, Inc.
Classification: Likely pathogenic for Agenesis of corpus callosum, cardiac, ocular, and genital syndrome. Last evaluated: 2025-06-28. Review status: criteria provided, single submitter. Criteria: Variantyx Assertion Criteria 2022. Collection method: clinical testing. Allele origin: de novo. Inheritance: Autosomal dominant inheritance. Affected: yes.
Comment: This is a splicing variant in the CDH2 gene (OMIM: 114020). Pathogenic variants in this gene have been associated with autosomal dominant agenesis of corpus callosum, cardiac, ocular, and genital syndrome (PMID:30796522]. This variant has not been reported in individuals with CDH2-related disorders in the databases available for review. Algorithms that predict the potential impact of sequence variants on RNA splicing suggest that this variant may disrupt normal splicing (PP3). This variant is absent from control populations (PM2). Based on the current evidence, this variant is classified as likely pathogenic for autosomal dominant agenesis of corpus callosum, cardiac, ocular, and genital syndrome.

Literature cited by the submitters: PubMed 30796522.

NM_001792.5(CDH2):c.702+2dup

Gene: CDH2 (cadherin 2; minus strand). Cytogenetic location: 18q12.1.
Variant type: Duplication.
Coding change: c.702+2dup on transcript NM_001792.5 (MANE Select); the canonical splice donor site of the intron after coding-DNA position 702, one base duplicated (T; older notation c.702+2dupT).
Molecular consequence: splice donor variant.
Genome position (GRCh38, 1-based): chr18:28,009,715, A duplicated on the plus strand (T on the coding strand, the reverse complement: CDH2 is on the minus strand). VCF-style (leftmost placement, unchanged base first): chr18-28009714-T-TA. GRCh37 (hg19) VCF-style: chr18-25589678-T-TA.
Other names: c.609+2dup (NM_001308176.2); c.702+2dupT (NM_001792.5).
Identifiers: ClinVar variation 4850735 (VCV004850735.1).
Genomic context (GRCh38, chr18:28,009,714, plus strand): 5'-GGTAAACTCTGCAGACATTTAGAACTGTTAATACACAGAATTATCAGCTGGTTGGAATCT[T>TA]ACATGAAACCGGGCTATCTGCTCGCGATCCAGGGGCTTTGTCACCGACAGCTGACCCGAG-3'